The following is an entry in ClinVar:

ClinVar aggregate classification (germline): Uncertain significance. Review status: criteria provided, multiple submitters, no conflicts (2 of 4 stars). 2 submissions from 2 submitters: Uncertain significance (2). Last evaluated 2025-12-10.

Conditions:
Inborn genetic diseases. Identifiers: MedGen C0950123, MeSH D030342.

gnomAD v4.1: 47 of 1,557,392 alleles (0.003%); highest among the groups gnomAD compares: Middle Eastern, 0.033%; no homozygotes.

Submissions (2):

Ambry Genetics
Classification: Uncertain significance for Inborn genetic diseases. Last evaluated: 2025-12-10. Review status: criteria provided, single submitter. Criteria: Ambry Variant Classification Scheme 2023. Collection method: clinical testing. Allele origin: germline.

GeneDx
Classification: Uncertain significance. Last evaluated: 2023-05-20. Review status: criteria provided, single submitter. Criteria: GeneDx Variant Classification Process June 2021. Collection method: clinical testing. Allele origin: germline. Affected: yes.
Comment: Not observed at significant frequency in large population cohorts (gnomAD); In silico analysis supports that this missense variant does not alter protein structure/function; Has not been previously published as pathogenic or benign to our knowledge

NM_003922.4(HERC1):c.10866T>G (p.Ile3622Met)

Gene: HERC1 (HECT and RLD domain containing E3 ubiquitin protein ligase family member 1; minus strand). Cytogenetic location: 15q22.31.
Variant type: single nucleotide variant.
Coding change: c.10866T>G on transcript NM_003922.4 (MANE Select); coding-DNA position 10866, T replaced by G.
Protein change: p.Ile3622Met; replaces isoleucine 3622 with methionine.
Molecular consequence: missense variant.
Genome position (GRCh38, 1-based): chr15:63,648,081, A>C on the plus strand (T>G on the coding strand, the complement: HERC1 is on the minus strand). VCF-style: chr15-63648081-A-C. GRCh37 (hg19) VCF-style: chr15-63940280-A-C.
Other names: short protein forms I3622M.
Identifiers: ClinVar variation 3343399 (VCV003343399.2).